The following is an entry in ClinVar:

NM_005334.3(HCFC1):c.4942+11G>A

Gene: HCFC1 (host cell factor C1; minus strand). Cytogenetic location: Xq28.
Variant type: single nucleotide variant.
Coding change: c.4942+11G>A on transcript NM_005334.3 (MANE Select); 11 bases into the intron after coding-DNA position 4942, G replaced by A.
Molecular consequence: intron variant.
Genome position (GRCh38, 1-based): chrX:153,952,503, C>T on the plus strand (G>A on the coding strand, the complement: HCFC1 is on the minus strand). VCF-style: chrX-153952503-C-T. GRCh37 (hg19) VCF-style: chrX-153217954-C-T.
Identifiers: ClinVar variation 682386 (VCV000682386.6), dbSNP rs782730900, ClinGen allele CA10556896.
Genomic context (GRCh38, chrX:153,952,503, plus strand): 5'-TCCCAGGCTGTCTCCGCGGCCTATTGCTCCCCCGAGCGGCCCGGCTTCCCCAGGGTTGCA[C>T]CGGCACTCACCCATGACGGCCTGCTGCGCGGCCTGGAGCACCGCCTGGATGGCCAGGGCC-3'

ClinVar aggregate classification (germline): Benign/Likely benign. Review status: criteria provided, multiple submitters, no conflicts (2 of 4 stars). 2 submissions from 2 submitters: Benign (1); Likely benign (1). Last evaluated 2026-01-19.

Conditions:
Methylmalonic acidemia with homocystinuria, type cblX (MAHCX). Also called: INTELLECTUAL DEVELOPMENTAL DISORDER, X-LINKED 3. Identifiers: Orphanet 369962, MedGen C0796208, MONDO:0010657, OMIM 309541.

Allele frequency attached by ClinVar (database versions not stated): gnomAD exomes 0.00011 and 0.00019; ExAC 0.00012; gnomAD 0.00018 and 0.00019; TOPMed 0.00019.
gnomAD v4.1: 216 of 1,144,351 alleles (0.019%); highest among the groups gnomAD compares: Non-Finnish European, 0.024%; no homozygotes.

Submissions (2):

Labcorp Genetics (formerly Invitae), Labcorp
Classification: Benign for Methylmalonic acidemia with homocystinuria, type cblX. Last evaluated: 2026-01-19. Review status: criteria provided, single submitter. Criteria: Invitae Variant Classification Sherloc (09022015). Collection method: clinical testing. Allele origin: germline.

GeneDx
Classification: Likely benign. Last evaluated: 2018-05-14. Review status: criteria provided, single submitter. Criteria: GeneDx Variant Classification (06012015). Collection method: clinical testing. Allele origin: germline. Affected: yes.
Comment: This variant is considered likely benign or benign based on one or more of the following criteria: it is a conservative change, it occurs at a poorly conserved position in the protein, it is predicted to be benign by multiple in silico algorithms, and/or has population frequency not consistent with disease.